The following is an entry in ClinVar:

ClinVar aggregate classification (germline): Uncertain significance (1 of 4 stars; one submission).

gnomAD v4.1: 48 of 1,601,772 alleles (0.003%); highest among the groups gnomAD compares: Middle Eastern, 0.018%; no homozygotes.

Submission:

Labcorp Genetics (formerly Invitae), Labcorp
Classification: Uncertain significance. Last evaluated: 2024-04-18. Review status: criteria provided, single submitter. Criteria: Invitae Variant Classification Sherloc (09022015). Collection method: clinical testing. Allele origin: germline.
Comment: This sequence change replaces alanine, which is neutral and non-polar, with valine, which is neutral and non-polar, at codon 373 of the ABCB6 protein (p.Ala373Val). This variant is present in population databases (rs773712027, gnomAD 0.01%). This variant has not been reported in the literature in individuals affected with ABCB6-related conditions. Algorithms developed to predict the effect of missense changes on protein structure and function output the following: SIFT: "Not Available"; PolyPhen-2: "Benign"; Align-GVGD: "Not Available". The valine amino acid residue is found in multiple mammalian species, which suggests that this missense change does not adversely affect protein function. In summary, the available evidence is currently insufficient to determine the role of this variant in disease. Therefore, it has been classified as a Variant of Uncertain Significance.

NM_005689.4(ABCB6):c.1118C>T (p.Ala373Val)

Gene: ABCB6 (ATP binding cassette subfamily B member 6 (LAN blood group); minus strand). Cytogenetic location: 2q35.
Variant type: single nucleotide variant.
Coding change: c.1118C>T on transcript NM_005689.4 (MANE Select); coding-DNA position 1118, C replaced by T.
Protein change: p.Ala373Val; replaces alanine 373 with valine.
Molecular consequence: missense variant.
Genome position (GRCh38, 1-based): chr2:219,216,033, G>A on the plus strand (C>T on the coding strand, the complement: ABCB6 is on the minus strand). VCF-style: chr2-219216033-G-A. GRCh37 (hg19) VCF-style: chr2-220080755-G-A.
Other names: c.980C>T, p.Ala327Val (NM_001349828.2); short protein forms A327V, A373V.
Identifiers: ClinVar variation 3704374 (VCV003704374.2).
Genomic context (GRCh38, chr2:219,216,033, plus strand): 5'-ATGCCCTTTCCACTGGGGCGGCACCTGAGCAGCCCTGTGACACTGGATGTGCCCCGATCC[G>A]CGATCCGCAGCACCTCCCCTGTGCGGCGCCCCAGGTGCCAGCGCAGTGAGAGCTCGTGCA-3'
Protein context (NP_005680.1, residues 363-383): GRRTGEVLRI[Ala373Val]DRGTSSVTGL